The following is an entry in ClinVar:

NM_001199107.2(TBC1D24):c.1526-25C>T

Gene: TBC1D24 (TBC1 domain family member 24; plus strand). Cytogenetic location: 16p13.3.
Variant type: single nucleotide variant.
Coding change: c.1526-25C>T on transcript NM_001199107.2 (MANE Select); 25 bases into the intron before coding-DNA position 1526, C replaced by T.
Molecular consequence: intron variant.
Genome position (GRCh38, 1-based): chr16:2,500,779, C>T. VCF-style: chr16-2500779-C-T. GRCh37 (hg19) VCF-style: chr16-2550780-C-T.
Other names: c.1508-25C>T (NM_020705.3).
Identifiers: ClinVar variation 4984756 (VCV004984756.1).

ClinVar aggregate classification (germline): Likely benign (1 of 4 stars; one submission).

Conditions:
TBC1D24-related disorder. Also called: TBC1D24-related condition; TBC1D24-related disorders. Identifiers: MedGen CN381194.

gnomAD v4.1: 241 of 1,592,674 alleles (0.015%); highest among the groups gnomAD compares: African/African-American, 0.013%; 1 homozygote.

Submission:

PreventionGenetics, part of Exact Sciences
Classification: Likely benign for TBC1D24-related condition. Last evaluated: 2024-12-05. Review status: criteria provided, single submitter. Criteria: ACMG Guidelines, 2015. Collection method: clinical testing. Allele origin: germline.
Comment: This variant is classified as likely benign based on ACMG/AMP sequence variant interpretation guidelines (Richards et al. 2015 PMID: 25741868, with internal and published modifications).